The following is an entry in ClinVar:

NM_001903.5(CTNNA1):c.130A>G (p.Ser44Gly)

Gene: CTNNA1 (catenin alpha 1; plus strand). Cytogenetic location: 5q31.2.
Variant type: single nucleotide variant.
Coding change: c.130A>G on transcript NM_001903.5 (MANE Select); coding-DNA position 130, A replaced by G.
Protein change: p.Ser44Gly; replaces serine 44 with glycine.
Molecular consequence: missense variant. On other transcripts: 5 prime UTR variant (1), intron variant (1).
Genome position (GRCh38, 1-based): chr5:138,783,201, A>G. VCF-style: chr5-138783201-A-G. GRCh37 (hg19) VCF-style: chr5-138118890-A-G.
Other names: c.130A>G, p.Ser44Gly (NM_001290307.3, NM_001323982.2, NM_001323983.1 and 3 more transcripts); c.-77A>G (NM_001290310.3); c.-9+1172A>G (NM_001290309.3); c.130A>G (NM_001903.2); short protein forms S44G.
Identifiers: ClinVar variation 834299 (VCV000834299.10), dbSNP rs1755324870, ClinGen allele CA361477309.

ClinVar aggregate classification (germline): Conflicting classifications of pathogenicity. Review status: criteria provided, conflicting classifications (1 of 4 stars). 2 submissions from 2 submitters: Uncertain significance (1); Likely benign (1). Last evaluated 2025-07-21.

Conditions:
Hereditary cancer-predisposing syndrome. Also called: Hereditary neoplastic syndrome; Neoplastic Syndromes, Hereditary; Tumor predisposition; Hereditary Cancer Syndrome. Identifiers: Orphanet 140162, MedGen C0027672, MeSH D009386, MONDO:0015356.

Allele frequency attached by ClinVar (database versions not stated): gnomAD exomes below 0.00001.
gnomAD v4.1: 3 of 1,611,818 alleles (0.00019%); highest among the groups gnomAD compares: South Asian, 0.0011%; no homozygotes.

Submissions (2):

Ambry Genetics
Classification: Likely benign for Hereditary cancer-predisposing syndrome. Last evaluated: 2025-07-21. Review status: criteria provided, single submitter. Criteria: Ambry Variant Classification Scheme 2023. Collection method: clinical testing. Allele origin: germline.

Labcorp Genetics (formerly Invitae), Labcorp
Classification: Uncertain significance. Last evaluated: 2025-06-16. Review status: criteria provided, single submitter. Criteria: Invitae Variant Classification Sherloc (09022015). Collection method: clinical testing. Allele origin: germline.
Comment: This sequence change replaces serine, which is neutral and polar, with glycine, which is neutral and non-polar, at codon 44 of the CTNNA1 protein (p.Ser44Gly). This variant is not present in population databases (gnomAD no frequency). This variant has not been reported in the literature in individuals affected with CTNNA1-related conditions. ClinVar contains an entry for this variant (Variation ID: 834299). Invitae Evidence Modeling of protein sequence and biophysical properties (such as structural, functional, and spatial information, amino acid conservation, physicochemical variation, residue mobility, and thermodynamic stability) indicates that this missense variant is not expected to disrupt CTNNA1 protein function with a negative predictive value of 80%. In summary, the available evidence is currently insufficient to determine the role of this variant in disease. Therefore, it has been classified as a Variant of Uncertain Significance.